The following is an entry in ClinVar:

NM_001036.6(RYR3):c.12884G>T (p.Gly4295Val)

Gene: RYR3 (ryanodine receptor 3; plus strand). Cytogenetic location: 15q14.
Variant type: single nucleotide variant.
Coding change: c.12884G>T on transcript NM_001036.6 (MANE Select); coding-DNA position 12884, G replaced by T.
Protein change: p.Gly4295Val; replaces glycine 4295 with valine.
Molecular consequence: missense variant.
Genome position (GRCh38, 1-based): chr15:33,838,864, G>T. VCF-style: chr15-33838864-G-T. GRCh37 (hg19) VCF-style: chr15-34131065-G-T.
Other names: c.12869G>T, p.Gly4290Val (NM_001243996.4); short protein forms G4290V, G4295V.
Identifiers: ClinVar variation 839478 (VCV000839478.8), dbSNP rs376839056, ClinGen allele CA7461486.
Genomic context (GRCh38, chr15:33,838,864, plus strand): 5'-CAGATATCATGTCAGACCTCTTTGGACTCCACCCAAAGAAAGAGGGCAGCTTAAAGCATG[G>T]GCCTGAAGTGGGTTTGGGTGACCTCTCAGAAATTATTGGCAAGGATGAACCCCCTACATT-3'
Protein context (NP_001027.3, residues 4285-4305): HPKKEGSLKH[Gly4295Val]PEVGLGDLSE

ClinVar aggregate classification (germline): Uncertain significance (1 of 4 stars; one submission).

Conditions:
Epileptic encephalopathy. Identifiers: MedGen C0543888, HP:0200134.

Allele frequency attached by ClinVar (database versions not stated): ESP Exome Variant Server 0.00008; gnomAD exomes 0.00002 and 0.00005; ExAC 0.00004; TOPMed 0.00002; gnomAD 0.00005.
gnomAD v4.1: 81 of 1,613,824 alleles (0.005%); highest among the groups gnomAD compares: Non-Finnish European, 0.0064%; 1 homozygote.

Submission:

Labcorp Genetics (formerly Invitae), Labcorp
Classification: Uncertain significance for Epileptic encephalopathy. Last evaluated: 2022-11-22. Review status: criteria provided, single submitter. Criteria: Invitae Variant Classification Sherloc (09022015). Collection method: clinical testing. Allele origin: germline.
Comment: In summary, the available evidence is currently insufficient to determine the role of this variant in disease. Therefore, it has been classified as a Variant of Uncertain Significance. Advanced modeling of protein sequence and biophysical properties (such as structural, functional, and spatial information, amino acid conservation, physicochemical variation, residue mobility, and thermodynamic stability) performed at Invitae indicates that this missense variant is not expected to disrupt RYR3 protein function. ClinVar contains an entry for this variant (Variation ID: 839478). This variant has not been reported in the literature in individuals affected with RYR3-related conditions. This variant is present in population databases (rs376839056, gnomAD 0.006%). This sequence change replaces glycine, which is neutral and non-polar, with valine, which is neutral and non-polar, at codon 4295 of the RYR3 protein (p.Gly4295Val).